The following is an entry in ClinVar:

ClinVar aggregate classification (germline): Likely benign (0 of 4 stars; one submission).

Conditions:
CNTN5-related disorder. Also called: CNTN5-related condition.

Allele frequency attached by ClinVar (database versions not stated): 1000 Genomes Project 30x 0.00047; 1000 Genomes Project 0.00060; TOPMed 0.00085; gnomAD 0.00089; ExAC 0.00104; ESP Exome Variant Server 0.00124; gnomAD exomes 0.00159.
gnomAD v4.1: 2,440 of 1,610,088 alleles (0.15%); highest among the groups gnomAD compares: South Asian, 0.21%; 4 homozygotes.

Submission:

PreventionGenetics, part of Exact Sciences
Classification: Likely benign for CNTN5-related condition. Last evaluated: 2023-03-07. Review status: no assertion criteria provided. Collection method: clinical testing. Allele origin: germline.
Comment: This variant is classified as likely benign based on ACMG/AMP sequence variant interpretation guidelines (Richards et al. 2015 PMID: 25741868, with internal and published modifications).

NM_014361.4(CNTN5):c.2291G>A (p.Arg764Gln)

Gene: CNTN5 (contactin 5; plus strand). Cytogenetic location: 11q22.1.
Variant type: single nucleotide variant.
Coding change: c.2291G>A on transcript NM_014361.4 (MANE Select); coding-DNA position 2291, G replaced by A.
Protein change: p.Arg764Gln; replaces arginine 764 with glutamine.
Molecular consequence: missense variant.
Genome position (GRCh38, 1-based): chr11:100,271,218, G>A. VCF-style: chr11-100271218-G-A. GRCh37 (hg19) VCF-style: chr11-100141950-G-A.
Other names: c.2291G>A, p.Arg764Gln (NM_001243270.2, NM_001243271.2); c.2069G>A, p.Arg690Gln (NM_175566.2); short protein forms R690Q, R764Q.
Identifiers: ClinVar variation 3056204 (VCV003056204.2), dbSNP rs201208690, ClinGen allele CA6242684.
Genomic context (GRCh38, chr11:100,271,218, plus strand): 5'-ATGAATTTCGAGTGGTAGCCACCAACCCTATTGGGACAGGAGATCCAAGCACCCCATCTC[G>A]AATGATCCGCACAAATGAAGCAGGTAAAAATTTGGAAGAGTCAGATTGGATTTGGTATGC-3'
Protein context (NP_055176.1, residues 754-774): IGTGDPSTPS[Arg764Gln]MIRTNEAVPK